The following is an entry in ClinVar:

ClinVar aggregate classification (germline): Uncertain significance (1 of 4 stars; one submission).

Submission:

Labcorp Genetics (formerly Invitae), Labcorp
Classification: Uncertain significance. Last evaluated: 2022-11-28. Review status: criteria provided, single submitter. Criteria: Invitae Variant Classification Sherloc (09022015). Collection method: clinical testing. Allele origin: germline.
Comment: In summary, the available evidence is currently insufficient to determine the role of this variant in disease. Therefore, it has been classified as a Variant of Uncertain Significance. Advanced modeling of protein sequence and biophysical properties (such as structural, functional, and spatial information, amino acid conservation, physicochemical variation, residue mobility, and thermodynamic stability) performed at Invitae indicates that this missense variant is not expected to disrupt SLC12A2 protein function. This variant has not been reported in the literature in individuals affected with SLC12A2-related conditions. This variant is not present in population databases (gnomAD no frequency). This sequence change replaces aspartic acid, which is acidic and polar, with asparagine, which is neutral and polar, at codon 1082 of the SLC12A2 protein (p.Asp1082Asn).

NM_001046.3(SLC12A2):c.3244G>A (p.Asp1082Asn)

Gene: SLC12A2 (solute carrier family 12 member 2; plus strand). Cytogenetic location: 5q23.3.
Variant type: single nucleotide variant.
Coding change: c.3244G>A on transcript NM_001046.3 (MANE Select); coding-DNA position 3244, G replaced by A.
Protein change: p.Asp1082Asn; replaces aspartic acid 1082 with asparagine.
Molecular consequence: missense variant. On other transcripts: non-coding transcript variant (1).
Genome position (GRCh38, 1-based): chr5:128,182,886, G>A. VCF-style: chr5-128182886-G-A. GRCh37 (hg19) VCF-style: chr5-127518578-G-A.
Other names: c.3196G>A, p.Asp1066Asn (NM_001256461.2); short protein forms D1066N, D1082N.
Identifiers: ClinVar variation 2131250 (VCV002131250.4), dbSNP rs2479494157, ClinGen allele CA360739696.